The following is an entry in ClinVar:

NM_001134363.3(RBM20):c.2063G>A (p.Arg688Gln)

Gene: RBM20 (RNA binding motif protein 20; plus strand). Cytogenetic location: 10q25.2.
Variant type: single nucleotide variant.
Coding change: c.2063G>A on transcript NM_001134363.3 (MANE Select); coding-DNA position 2063, G replaced by A.
Protein change: p.Arg688Gln; replaces arginine 688 with glutamine.
Molecular consequence: missense variant.
Genome position (GRCh38, 1-based): chr10:110,812,460, G>A. VCF-style: chr10-110812460-G-A. GRCh37 (hg19) VCF-style: chr10-112572218-G-A.
Other names: short protein forms R688Q.
Identifiers: ClinVar variation 1003343 (VCV001003343.11), dbSNP rs776778214, ClinGen allele CA5688665.
Genomic context (GRCh38, chr10:110,812,460, plus strand): 5'-ACTGGGGCAATGGCCGGGACTCCTGGGAGCACTCTCCCTATGCCAGGAGGGAGGAAGAGC[G>A]AGACCCGGCTCCCTGGAGGGACAACGGAGATGACAAGAGGGACAGGATGGACCCCTGGGC-3'
Protein context (NP_001127835.2, residues 678-698): HSPYARREEE[Arg688Gln]DPAPWRDNGD

ClinVar aggregate classification (germline): Conflicting classifications of pathogenicity. Review status: criteria provided, conflicting classifications (1 of 4 stars). 4 submissions from 4 submitters: Uncertain significance (3); Likely benign (1). Last evaluated 2025-09-11.

Conditions:
Cardiovascular phenotype. Identifiers: MedGen CN230736.
Dilated cardiomyopathy 1DD (CMD1DD). Identifiers: Orphanet 154, MedGen C2750995, MONDO:0013168, OMIM 613172.

Allele frequency attached by ClinVar (database versions not stated): gnomAD 0.00001; gnomAD exomes 0.00001; TOPMed 0.00002; ExAC 0.00005.
gnomAD v4.1: 15 of 1,551,604 alleles (0.00097%); highest among the groups gnomAD compares: African/African-American, 0.0068%; no homozygotes.

Submissions (4):

Labcorp Genetics (formerly Invitae), Labcorp
Classification: Likely benign for Dilated cardiomyopathy 1DD. Last evaluated: 2025-09-11. Review status: criteria provided, single submitter. Criteria: Invitae Variant Classification Sherloc (09022015). Collection method: clinical testing. Allele origin: germline.

Victorian Clinical Genetics Services, Murdoch Childrens Research Institute
Classification: Uncertain significance for Dilated cardiomyopathy 1DD. Last evaluated: 2025-04-08. Review status: criteria provided, single submitter. Criteria: ACMG Guidelines, 2015. Collection method: clinical testing. Allele origin: germline. Affected: yes.
Comment: This variant is classified as VUS-3B. Evidence in support of pathogenic classification: Variant is present in gnomAD <0.001 for a dominant condition (v4: 15 heterozygote(s), 0 homozygote(s)) . Additional information: Variant is predicted to result in a missense amino acid change from arginine to glutamine; This variant is heterozygous; This gene is associated with autosomal dominant disease; Previous evidence of pathogenicity for this variant is inconclusive. It is classified as a variant of uncertain significance and likely benign by clinical laboratories, and has been identified in individuals affected with cardiac symptoms including dilated cardiomyopathy, cardiomyopathy, prolonged QT interval, and LVNC (ClinVar; personal communication). In addition, it has been reported once in an individual with dilated cardiomyopathy (PMID: 31983221); No published segregation evidence has been identified for this variant; No published functional evidence has been identified for this variant; No comparable missense variants have previous evidence for pathogenicity; Variant is not located in an established domain, motif, hotspot or informative constraint region; Missense variant with inconclusive in silico prediction and uninformative conservation; Loss of function is a likely mechanism of disease in this gene and is associated with dilated cardiomyopathy 1DD (MIM#613172) (PMIDs: 27496873, 34575212). While some publications suggest a dominant negative mechanism for variants in the hotspot region affecting residues between 630 and 640 (PMIDs: 32187365, 29895960), haploinsufficiency has been shown by a recent paper for a single missense variant (PMID: 32840935). Gain of function has also been suggested (PMID: 34575212); Inheritance information for this variant is not currently available in this individual.

GeneDx
Classification: Uncertain significance. Last evaluated: 2024-03-13. Review status: criteria provided, single submitter. Criteria: GeneDx Variant Classification Process June 2021. Collection method: clinical testing. Allele origin: germline. Affected: yes.
Comment: Not observed at significant frequency in large population cohorts (gnomAD); In silico analysis supports that this missense variant does not alter protein structure/function; Reported in the published literature in association with both dilated cardiomyopathy and hypertrophic cardiomyopathy; however, detailed clinical and family history information was not provided (PMID: 34333030, 31983221); This variant is associated with the following publications: (PMID: 34333030, 31983221)

Ambry Genetics
Classification: Uncertain significance for Cardiovascular phenotype. Last evaluated: 2021-09-26. Review status: criteria provided, single submitter. Criteria: Ambry Variant Classification Scheme 2023. Collection method: clinical testing. Allele origin: germline.
Comment: The p.R688Q variant (also known as c.2063G>A), located in coding exon 9 of the RBM20 gene, results from a G to A substitution at nucleotide position 2063. The arginine at codon 688 is replaced by glutamine, an amino acid with highly similar properties. This amino acid position is conserved. In addition, the in silico prediction for this alteration is inconclusive. Since supporting evidence is limited at this time, the clinical significance of this alteration remains unclear.

Literature cited by the submitters: PubMed 27496873 (cited by Victorian Clinical Genetics Services, Murdoch Childrens Research Institute); PubMed 32187365 (cited by Victorian Clinical Genetics Services, Murdoch Childrens Research Institute); PubMed 29895960 (cited by Victorian Clinical Genetics Services, Murdoch Childrens Research Institute); PubMed 34575212 (cited by Victorian Clinical Genetics Services, Murdoch Childrens Research Institute); PubMed 31983221 (cited by Victorian Clinical Genetics Services, Murdoch Childrens Research Institute); PubMed 32840935 (cited by Victorian Clinical Genetics Services, Murdoch Childrens Research Institute).